The following is an entry in ClinVar:

NM_020408.6(LYRM4):c.86+69G>C

Genes: FARS2 (phenylalanyl-tRNA synthetase 2, mitochondrial; plus strand), LYRM4 (LYR motif containing 4; minus strand), LOC129995672 (ATAC-STARR-seq lymphoblastoid silent region 16873; plus strand). Cytogenetic location: 6p25.1.
Variant type: single nucleotide variant.
Coding change: c.86+69G>C on transcript NM_020408.6 (MANE Select); 69 bases into the intron after coding-DNA position 86, G replaced by C.
Molecular consequence: intron variant.
Genome position (GRCh38, 1-based): chr6:5,260,579, C>G on the plus strand (G>C on the coding strand, the complement: LYRM4 is on the minus strand). VCF-style: chr6-5260579-C-G. GRCh37 (hg19) VCF-style: chr6-5260812-C-G.
Other names: c.86+69G>C (NM_001318783.1, NM_001164841.3, NM_001318782.1 and 1 more transcripts).
Identifiers: ClinVar variation 1292135 (VCV001292135.2), dbSNP rs7752203, ClinGen allele CA12222825.

ClinVar aggregate classification (germline): Benign (1 of 4 stars; one submission).

Allele frequency attached by ClinVar (database versions not stated): 1000 Genomes Project 0.38918; gnomAD 0.39499 and 0.40772; 1000 Genomes Project 30x 0.39913; TOPMed 0.42376.
gnomAD v4.1: 274,940 of 1,266,048 alleles (22%); highest among the groups gnomAD compares: African/African-American, 74%; 51,900 homozygotes.

Submission:

GeneDx
Classification: Benign. Last evaluated: 2019-08-06. Review status: criteria provided, single submitter. Criteria: GeneDx Variant Classification Process June 2021. Collection method: clinical testing. Allele origin: germline. Affected: yes.
Comment: This variant is associated with the following publications: (PMID: 21968932)